The following is an entry in ClinVar:

NM_006421.5(ARFGEF1):c.1633A>G (p.Lys545Glu)

Gene: ARFGEF1 (ARF guanine nucleotide exchange factor 1; minus strand). Cytogenetic location: 8q13.2.
Variant type: single nucleotide variant.
Coding change: c.1633A>G on transcript NM_006421.5 (MANE Select); coding-DNA position 1633, A replaced by G.
Protein change: p.Lys545Glu; replaces lysine 545 with glutamic acid.
Molecular consequence: missense variant. On other transcripts: non-coding transcript variant (1).
Genome position (GRCh38, 1-based): chr8:67,267,382, T>C on the plus strand (A>G on the coding strand, the complement: ARFGEF1 is on the minus strand). VCF-style: chr8-67267382-T-C. GRCh37 (hg19) VCF-style: chr8-68179617-T-C.
Other names: c.1633A>G, p.Lys545Glu (NM_001413184.1, NM_001413185.1, NM_001413186.1 and 7 more transcripts); c.1033A>G, p.Lys345Glu (NM_001413188.1, NM_001413193.1, NM_001413197.1); c.208A>G, p.Lys70Glu (NM_001413196.1); short protein forms K345E, K545E, K70E.
Identifiers: ClinVar variation 3371281 (VCV003371281.1).

ClinVar aggregate classification (germline): Uncertain significance (1 of 4 stars; one submission).

Submission:

GeneDx
Classification: Uncertain significance. Last evaluated: 2024-03-25. Review status: criteria provided, single submitter. Criteria: GeneDx Variant Classification Process June 2021. Collection method: clinical testing. Allele origin: germline. Affected: yes.
Comment: Not observed at significant frequency in large population cohorts (gnomAD); In silico analysis supports that this missense variant has a deleterious effect on protein structure/function; Has not been previously published as pathogenic or benign to our knowledge